The following is an entry in ClinVar:

NM_007055.4(POLR3A):c.3594G>A (p.Lys1198=)

Gene: POLR3A (RNA polymerase III subunit A; minus strand). Cytogenetic location: 10q22.3.
Variant type: single nucleotide variant.
Coding change: c.3594G>A on transcript NM_007055.4 (MANE Select); coding-DNA position 3594, G replaced by A.
Protein change: p.Lys1198=; no amino-acid change (lysine 1198 retained).
Molecular consequence: synonymous variant.
Genome position (GRCh38, 1-based): chr10:77,982,653, C>T on the plus strand (G>A on the coding strand, the complement: POLR3A is on the minus strand). VCF-style: chr10-77982653-C-T. GRCh37 (hg19) VCF-style: chr10-79742411-C-T.
Identifiers: ClinVar variation 1410223 (VCV001410223.6), dbSNP rs1847158147, ClinGen allele CA470392734.

ClinVar aggregate classification (germline): Uncertain significance (1 of 4 stars; one submission).

Allele frequency attached by ClinVar (database versions not stated): TOPMed below 0.00001.

Submission:

Labcorp Genetics (formerly Invitae), Labcorp
Classification: Uncertain significance. Last evaluated: 2022-02-04. Review status: criteria provided, single submitter. Criteria: Invitae Variant Classification Sherloc (09022015). Collection method: clinical testing. Allele origin: germline.
Comment: This sequence change affects codon 1198 of the POLR3A mRNA. It is a 'silent' change, meaning that it does not change the encoded amino acid sequence of the POLR3A protein. This variant also falls at the last nucleotide of exon 27, which is part of the consensus splice site for this exon. This variant is not present in population databases (gnomAD no frequency). This variant has not been reported in the literature in individuals affected with POLR3A-related conditions. Variants that disrupt the consensus splice site are a relatively common cause of aberrant splicing (PMID: 17576681, 9536098). Algorithms developed to predict the effect of sequence changes on RNA splicing suggest that this variant may disrupt the consensus splice site. In summary, the available evidence is currently insufficient to determine the role of this variant in disease. Therefore, it has been classified as a Variant of Uncertain Significance.

Literature cited by the submitters: PubMed 17576681; PubMed 9536098.